The following is an entry in ClinVar:

ClinVar aggregate classification (germline): Benign/Likely benign. Review status: criteria provided, multiple submitters, no conflicts (2 of 4 stars). 11 submissions from 11 submitters: Benign (2); Likely benign (8). 1 of the submissions does not count toward it. Last evaluated 2026-01-27.

Conditions:
Hereditary cancer-predisposing syndrome. Also called: Hereditary Cancer Syndrome; Tumor predisposition; Neoplastic Syndromes, Hereditary; Hereditary neoplastic syndrome. Identifiers: Orphanet 140162, MedGen C0027672, MeSH D009386, MONDO:0015356.
Familial cancer of breast. Also called: hereditary breast carcinoma; BREAST CANCER, FAMILIAL; Hereditary breast cancer. Identifiers: Orphanet 227535, MedGen C0346153, MONDO:0016419, OMIM 114480. Disease mechanism: loss of function.
Ataxia-telangiectasia syndrome (AT). Also called: ATAXIA-TELANGIECTASIA, COMPLEMENTATION GROUP A; ATAXIA-TELANGIECTASIA, FRESNO VARIANT; Ataxia-telangiectasia; Ataxia-telangiectasia, complementation group E; Cerebello-oculocutaneous telangiectasia; Immunodeficiency with ataxia telangiectasia. Identifiers: Orphanet 100, MedGen C0004135, MONDO:0008840, OMIM 208900.

Allele frequency attached by ClinVar (database versions not stated): gnomAD 0.00003 and 0.00004; gnomAD exomes 0.00004 and 0.00001; ExAC 0.00002; TOPMed 0.00003.
gnomAD v4.1: 22 of 1,611,658 alleles (0.0014%); highest among the groups gnomAD compares: Admixed American, 0.022%; no homozygotes.

Submissions (11):

Labcorp Genetics (formerly Invitae), Labcorp
Classification: Likely benign for Ataxia-telangiectasia syndrome. Last evaluated: 2026-01-27. Review status: criteria provided, single submitter. Criteria: Invitae Variant Classification Sherloc (09022015). Collection method: clinical testing. Allele origin: germline.

Quest Diagnostics Nichols Institute San Juan Capistrano
Classification: Likely benign. Last evaluated: 2025-11-03. Review status: criteria provided, single submitter. Criteria: Quest Diagnostics criteria. Collection method: clinical testing. Allele origin: unknown.

Institute for Biomarker Research, Medical Diagnostic Laboratories, L.L.C.
Classification: Likely benign for Hereditary cancer-predisposing syndrome. Last evaluated: 2025-05-07. Review status: criteria provided, single submitter. Criteria: ACMG Guidelines, 2015. Collection method: clinical testing. Allele origin: germline.
Comment: The synonymous variant NM_000051.4(ATM):c.8629T>C (p.Leu2877=) has been reported to ClinVar as Benign/Likely benign with a status of (2 stars) criteria provided, multiple submitters, no conflicts (Variation ID 181844 as of 2025-04-03). The p.Leu2877= variant is not predicted to disrupt an existing splice site. The p.Leu2877= variant results in a substitution of a base that is not predicted conserved by GERP++ and PhyloP. For these reasons, this variant has been classified as Likely Benign.

Myriad Genetics, Inc.
Classification: Benign for Familial cancer of breast. Last evaluated: 2024-06-20. Review status: criteria provided, single submitter. Criteria: Myriad Autosomal Dominant, Autosomal Recessive and X-Linked Classification Criteria (2023). Collection method: clinical testing. Allele origin: unknown.
Comment: This variant is considered benign. This variant is a silent/synonymous amino acid change and it is not expected to impact splicing.

Athena Diagnostics
Classification: Likely benign. Last evaluated: 2023-12-05. Review status: criteria provided, single submitter. Criteria: Athena Diagnostics Criteria. Collection method: clinical testing. Allele origin: unknown.

Women's Health and Genetics/Laboratory Corporation of America, LabCorp
Classification: Likely benign. Last evaluated: 2022-04-14. Review status: criteria provided, single submitter. Criteria: LabCorp Variant Classification Summary - May 2015. Collection method: clinical testing. Allele origin: germline.

Sema4
Classification: Likely benign for Hereditary cancer-predisposing syndrome. Last evaluated: 2021-07-28. Review status: criteria provided, single submitter. Criteria: Sema4 Curation Guidelines. Collection method: curation. Allele origin: germline.

Color Diagnostics, LLC DBA Color Health
Classification: Likely benign for Hereditary cancer-predisposing syndrome. Last evaluated: 2015-04-06. Review status: criteria provided, single submitter. Criteria: ACMG Guidelines, 2015. Collection method: clinical testing. Allele origin: germline.

Ambry Genetics
Classification: Likely benign for Hereditary cancer-predisposing syndrome. Last evaluated: 2014-11-13. Review status: criteria provided, single submitter. Criteria: Ambry Variant Classification Scheme 2023. Collection method: clinical testing. Allele origin: germline.

GeneDx
Classification: Benign. Last evaluated: 2014-08-05. Review status: criteria provided, single submitter. Criteria: GeneDx Variant Classification (06012015). Collection method: clinical testing. Allele origin: germline. Affected: yes.
Comment: This variant is considered likely benign or benign based on one or more of the following criteria: it is a conservative change, it occurs at a poorly conserved position in the protein, it is predicted to be benign by multiple in silico algorithms, and/or has population frequency not consistent with disease.

Counsyl
Classification: Likely benign for Ataxia-telangiectasia syndrome. Last evaluated: 2017-12-11. Review status: no assertion criteria provided. Collection method: clinical testing. Allele origin: unknown. Not counted in ClinVar's aggregate classification.

NM_000051.4(ATM):c.8629T>C (p.Leu2877=)

Genes: ATM (ATM serine/threonine kinase; plus strand), C11orf65 (chromosome 11 open reading frame 65; minus strand). Cytogenetic location: 11q22.3.
Variant type: single nucleotide variant.
Coding change: c.8629T>C on transcript NM_000051.4 (MANE Select); coding-DNA position 8629, T replaced by C.
Protein change: p.Leu2877=; no amino-acid change (leucine 2877 retained).
Molecular consequence: synonymous variant. On other transcripts: intron variant (2).
Genome position (GRCh38, 1-based): chr11:108,347,323, T>C. VCF-style: chr11-108347323-T-C. GRCh37 (hg19) VCF-style: chr11-108218050-T-C.
Other names: p.L2877L:TTG>CTG; c.8629T>C, p.Leu2877= (NM_001351834.2); c.641-38252A>G (NM_001330368.2); c.695-12031A>G (NM_001351110.2).
Identifiers: ClinVar variation 181844 (VCV000181844.22), dbSNP rs730881279, ClinGen allele CA297975.
Genomic context (GRCh38, chr11:108,347,323, plus strand): 5'-TTTCTTTTTTCTCCAGTTGGTTACATACTTGGACTTGGTGATAGACATGTACAGAATATC[T>C]TGATAAATGAGCAGTCAGCAGAACTTGTACATATAGATCTAGGTAAGTAATAAAATCTAT-3'
Protein context (NP_000042.3, residues 2867-2887): GLGDRHVQNI[Leu2877=]INEQSAELVH